The following is an entry in ClinVar:

ClinVar aggregate classification (germline): Uncertain significance. Review status: criteria provided, multiple submitters, no conflicts (2 of 4 stars). 2 submissions from 2 submitters: Uncertain significance (2). Last evaluated 2026-05-19.

Conditions:
VPS13B-related disorder. Also called: VPS13B-related condition.
Cohen syndrome (COH1). Also called: Cutis verticis gyrata, retinitis pigmentosa, and sensorineural deafness; PEPPER SYNDROME. Identifiers: Orphanet 193, MedGen C0265223, MONDO:0008999, OMIM 216550.

gnomAD v4.1: 2 of 1,614,034 alleles (0.00012%); highest among the groups gnomAD compares: African/African-American, 0.0013%; no homozygotes.

Submissions (2):

PreventionGenetics, part of Exact Sciences
Classification: Uncertain significance for VPS13B-related condition. Last evaluated: 2026-05-19. Review status: criteria provided, single submitter. Criteria: ACMG Guidelines, 2015. Collection method: clinical testing. Allele origin: germline.
Comment: The VPS13B c.1153G>T variant is predicted to result in the amino acid substitution p.Asp385Tyr. To our knowledge, this variant has not been reported in the literature. This variant is reported in 0.0065% of alleles in individuals of European (Non-Finnish) descent in gnomAD. At this time, the clinical significance of this variant is uncertain due to the absence of conclusive functional and genetic evidence.

Labcorp Genetics (formerly Invitae), Labcorp
Classification: Uncertain significance for Cohen syndrome. Last evaluated: 2024-10-01. Review status: criteria provided, single submitter. Criteria: Invitae Variant Classification Sherloc (09022015). Collection method: clinical testing. Allele origin: germline.
Comment: This sequence change replaces aspartic acid, which is acidic and polar, with tyrosine, which is neutral and polar, at codon 385 of the VPS13B protein (p.Asp385Tyr). This variant is present in population databases (no rsID available, gnomAD 0.007%). This variant has not been reported in the literature in individuals affected with VPS13B-related conditions. Invitae Evidence Modeling of protein sequence and biophysical properties (such as structural, functional, and spatial information, amino acid conservation, physicochemical variation, residue mobility, and thermodynamic stability) indicates that this missense variant is expected to disrupt VPS13B protein function with a positive predictive value of 80%. In summary, the available evidence is currently insufficient to determine the role of this variant in disease. Therefore, it has been classified as a Variant of Uncertain Significance.

NM_152564.5(VPS13B):c.1153G>T (p.Asp385Tyr)

Gene: VPS13B (vacuolar protein sorting 13 homolog B; plus strand). Cytogenetic location: 8q22.2.
Variant type: single nucleotide variant.
Coding change: c.1153G>T on transcript NM_152564.5 (MANE Select); coding-DNA position 1153, G replaced by T.
Protein change: p.Asp385Tyr; replaces aspartic acid 385 with tyrosine.
Molecular consequence: missense variant. On other transcripts: non-coding transcript variant (1).
Genome position (GRCh38, 1-based): chr8:99,121,392, G>T. VCF-style: chr8-99121392-G-T. GRCh37 (hg19) VCF-style: chr8-100133620-G-T.
Other names: c.1153G>T, p.Asp385Tyr (NM_015243.3, NM_017890.5, NM_181661.3); short protein forms D385Y.
Identifiers: ClinVar variation 3668625 (VCV003668625.3).
Genomic context (GRCh38, chr8:99,121,392, plus strand): 5'-GACTTTGTTGGGAACGATCCTGCATCAACCATGCATCAACAAAAAGCACAGACTTTGAAG[G>T]ATCCTATTGTTTCTATAGGATTTTATTGCACAAAGGCAACGGTGACTTTCAAAGTAGGTC-3'
Protein context (NP_689777.3, residues 375-395): MHQQKAQTLK[Asp385Tyr]PIVSIGFYCT